The following is an entry in ClinVar:

ClinVar aggregate classification (germline): Pathogenic (1 of 4 stars; one submission).

Conditions:
Osteogenesis imperfecta type I (OI1). Also called: Classic Non-deforming Osteogenesis Imperfecta with Blue Sclerae; Lobstein's Disease; Osteogenesis imperfecta type 1; OI, TYPE I; OSTEOGENESIS IMPERFECTA TARDA; OSTEOGENESIS IMPERFECTA WITH BLUE SCLERAE. Identifiers: Orphanet 216796, Orphanet 666, MedGen C0023931, MONDO:0008146, OMIM 166200. Disease mechanism: loss of function.

Submission:

Labcorp Genetics (formerly Invitae), Labcorp
Classification: Pathogenic for Osteogenesis imperfecta type I. Last evaluated: 2019-05-05. Review status: criteria provided, single submitter. Criteria: Invitae Variant Classification Sherloc (09022015). Collection method: clinical testing. Allele origin: germline.
Comment: This sequence change creates a premature translational stop signal (p.Gly1076Valfs*32) in the COL1A1 gene. It is expected to result in an absent or disrupted protein product. For these reasons, this variant has been classified as Pathogenic. Loss-of-function variants in COL1A1 are known to be pathogenic (PMID: 7942841, 9295084, 9443882). This variant has not been reported in the literature in individuals with COL1A1-related disease. This variant is not present in population databases (ExAC no frequency).

Literature cited by the submitters: PubMed 7942841; PubMed 9295084; PubMed 9443882.

NM_000088.4(COL1A1):c.3225del (p.Gly1076fs)

Gene: COL1A1 (collagen type I alpha 1 chain; minus strand). Cytogenetic location: 17q21.33.
Variant type: Deletion.
Coding change: c.3225del on transcript NM_000088.4 (MANE Select); coding-DNA position 3225, one base deleted (C; older notation c.3225delC).
Protein change: p.Gly1076fs; shifts the reading frame from glycine 1076.
Molecular consequence: frameshift variant.
Genome position (GRCh38, 1-based): chr17:50,188,132, G deleted on the plus strand (C on the coding strand, the reverse complement: COL1A1 is on the minus strand); the first of 2 consecutive G bases (chr17:50,188,132-50,188,133); deleting either gives the same sequence. VCF-style (leftmost placement, unchanged base first): chr17-50188131-CG-C. GRCh37 (hg19) VCF-style: chr17-48265492-CG-C.
Other names: c.3225delC (NM_000088.3); short protein forms G1076fs.
Identifiers: ClinVar variation 565687 (VCV000565687.9), dbSNP rs1567754277, ClinGen allele CA891843989.